The following is an entry in ClinVar:

ClinVar aggregate classification (germline): Uncertain significance (1 of 4 stars; one submission).

Conditions:
Amyotrophic lateral sclerosis type 6. Also called: FUS-Related Amyotrophic Laterial Sclerosis; AMYOTROPHIC LATERAL SCLEROSIS 6 WITHOUT FRONTOTEMPORAL DEMENTIA; Amyotrophic lateral sclerosis 6, with or without frontotemporal dementia. Identifiers: Orphanet 275872, Orphanet 803, MedGen C2931786, MONDO:0011951, OMIM 608030.
Tremor, hereditary essential, 4 (ETM4). Identifiers: MedGen C3539195, MONDO:0013888, OMIM 614782.

Allele frequency attached by ClinVar (database versions not stated): ExAC 0.00001; gnomAD exomes 0.00001.
gnomAD v4.1: 7 of 1,609,080 alleles (0.00044%); highest among the groups gnomAD compares: South Asian, 0.0022%; no homozygotes.

Submission:

Labcorp Genetics (formerly Invitae), Labcorp
Classification: Uncertain significance for Tremor, hereditary essential, 4; Amyotrophic lateral sclerosis type 6. Last evaluated: 2023-12-09. Review status: criteria provided, single submitter. Criteria: Invitae Variant Classification Sherloc (09022015). Collection method: clinical testing. Allele origin: germline.
Comment: This sequence change replaces arginine, which is basic and polar, with cysteine, which is neutral and slightly polar, at codon 234 of the FUS protein (p.Arg234Cys). This variant is present in population databases (rs777819849, gnomAD 0.006%). This missense change has been observed in individuals with Amyotrophic lateral sclerosis (PMID: 19861302; Inviate). Experimental studies and prediction algorithms are not available or were not evaluated, and the functional significance of this variant is currently unknown. In summary, the available evidence is currently insufficient to determine the role of this variant in disease. Therefore, it has been classified as a Variant of Uncertain Significance.

Literature cited by the submitters: PubMed 19861302.

NM_004960.4(FUS):c.700C>T (p.Arg234Cys)

Gene: FUS (FUS RNA binding protein; plus strand). Cytogenetic location: 16p11.2.
Variant type: single nucleotide variant.
Coding change: c.700C>T on transcript NM_004960.4 (MANE Select); coding-DNA position 700, C replaced by T.
Protein change: p.Arg234Cys; replaces arginine 234 with cysteine.
Molecular consequence: missense variant. On other transcripts: non-coding transcript variant (1).
Genome position (GRCh38, 1-based): chr16:31,185,115, C>T. VCF-style: chr16-31185115-C-T. GRCh37 (hg19) VCF-style: chr16-31196436-C-T.
Other names: c.697C>T, p.Arg233Cys (NM_001170634.1); c.688C>T, p.Arg230Cys (NM_001170937.1); short protein forms R230C, R233C, R234C.
Identifiers: ClinVar variation 2925590 (VCV002925590.3), dbSNP rs777819849, ClinGen allele CA8023768.